The following is an entry in ClinVar:

NC_000012.12:g.121641298C>T

Gene: ORAI1 (ORAI calcium release-activated calcium modulator 1; plus strand). Cytogenetic location: 12q24.31.
Variant type: single nucleotide variant.
Genome position: GRCh38 VCF-style: chr12-121641298-C-T. GRCh37 (hg19) VCF-style: chr12-122079204-C-T.
Other names: c.561C>T, p.Phe187= (NM_032790.4).
Identifiers: ClinVar variation 1669073 (VCV001669073.32), dbSNP rs782419547, ClinGen allele CA6837519.

ClinVar aggregate classification (germline): Likely benign. Review status: criteria provided, multiple submitters, no conflicts (2 of 4 stars). 2 submissions from 2 submitters: Likely benign (2). Last evaluated 2023-01-01.

Conditions:
Myopathy, tubular aggregate, 2 (TAM2). Identifiers: MedGen C4014557, MONDO:0014383, OMIM 615883.
Combined immunodeficiency due to ORAI1 deficiency. Also called: IMMUNODEFICIENCY 9. Identifiers: Orphanet 169090, Orphanet 317428, MedGen C2748568, MONDO:0013007, OMIM 612782.

Allele frequency attached by ClinVar (database versions not stated): gnomAD exomes below 0.00001 and 0.00001; ExAC 0.00001; gnomAD 0.00001.

Submissions (2):

CeGaT Center for Human Genetics Tuebingen
Classification: Likely benign. Last evaluated: 2023-01-01. Review status: criteria provided, single submitter. Criteria: CeGaT Center For Human Genetics Tuebingen Variant Classification Criteria Version 2. Collection method: clinical testing. Allele origin: germline. Affected: yes. Observed: 1 variant allele.
Comment: ORAI1: BP4

Labcorp Genetics (formerly Invitae), Labcorp
Classification: Likely benign for Myopathy, tubular aggregate, 2; Combined immunodeficiency due to ORAI1 deficiency. Last evaluated: 2021-01-07. Review status: criteria provided, single submitter. Criteria: Invitae Variant Classification Sherloc (09022015). Collection method: clinical testing. Allele origin: germline.